The following is an entry in ClinVar:

NM_001378609.3(OTOGL):c.3931C>T (p.His1311Tyr)

Gene: OTOGL (otogelin like; plus strand). Cytogenetic location: 12q21.31.
Variant type: single nucleotide variant.
Coding change: c.3931C>T on transcript NM_001378609.3 (MANE Select); coding-DNA position 3931, C replaced by T.
Protein change: p.His1311Tyr; replaces histidine 1311 with tyrosine.
Molecular consequence: missense variant.
Genome position (GRCh38, 1-based): chr12:80,320,550, C>T. VCF-style: chr12-80320550-C-T. GRCh37 (hg19) VCF-style: chr12-80714330-C-T.
Other names: c.3796C>T, p.His1266Tyr (NM_001368062.3); c.3931C>T, p.His1311Tyr (NM_001378610.3, NM_173591.7); short protein forms H1266Y, H1311Y.
Identifiers: ClinVar variation 1031269 (VCV001031269.1), dbSNP rs1230531336, ClinGen allele CA385869947.

ClinVar aggregate classification (germline): Uncertain significance (1 of 4 stars; one submission).

Conditions:
Autosomal recessive nonsyndromic hearing loss 84B. Also called: Deafness, autosomal recessive 84b. Identifiers: Orphanet 90636, MedGen C3554159, MONDO:0013984, OMIM 614944.

Allele frequency attached by ClinVar (database versions not stated): gnomAD 0.00001; gnomAD exomes below 0.00001; TOPMed below 0.00001.
gnomAD v4.1: 2 of 1,613,496 alleles (0.00012%); highest among the groups gnomAD compares: Admixed American, 0.0033%; no homozygotes.

Submission:

Baylor Genetics
Classification: Uncertain significance for Autosomal recessive nonsyndromic hearing loss 84B. Last evaluated: 2019-02-22. Review status: criteria provided, single submitter. Criteria: ACMG Guidelines, 2015. Collection method: clinical testing. Allele origin: unknown. Affected: yes.
Comment: This variant was determined to be of uncertain significance according to ACMG Guidelines, 2015 [PMID:25741868].